The following is an entry in ClinVar:

ClinVar aggregate classification (germline): Uncertain significance (1 of 4 stars; one submission).

Conditions:
Cardiovascular phenotype. Identifiers: MedGen CN230736.

gnomAD v4.1: 6 of 1,548,620 alleles (0.00039%); highest among the groups gnomAD compares: East Asian, 0.0073%; no homozygotes.

Submission:

Ambry Genetics
Classification: Uncertain significance for Cardiovascular phenotype. Last evaluated: 2026-06-15. Review status: criteria provided, single submitter. Criteria: Ambry Variant Classification Scheme 2023. Collection method: clinical testing. Allele origin: germline.
Comment: The p.T1600R variant (also known as c.4799C>G), located in coding exon 2 of the ZNF469 gene, results from a C to G substitution at nucleotide position 4799. The threonine at codon 1600 is replaced by arginine, an amino acid with similar properties. This amino acid position is conserved. In addition, this alteration is predicted to be tolerated by in silico analysis. Based on the available evidence, the clinical significance of this variant remains unclear.

NM_001367624.2(ZNF469):c.4883C>G (p.Thr1628Arg)

Gene: ZNF469 (zinc finger protein 469; plus strand). Cytogenetic location: 16q24.2.
Variant type: single nucleotide variant.
Coding change: c.4883C>G on transcript NM_001367624.2 (MANE Select); coding-DNA position 4883, C replaced by G.
Protein change: p.Thr1628Arg; replaces threonine 1628 with arginine.
Molecular consequence: missense variant.
Genome position (GRCh38, 1-based): chr16:88,432,353, C>G. VCF-style: chr16-88432353-C-G. GRCh37 (hg19) VCF-style: chr16-88498761-C-G.
Other names: NM_001127464.1:c.4799C>G; short protein forms T1628R.
Identifiers: ClinVar variation 5032198 (VCV005032198.1).